The following is an entry in ClinVar:

ClinVar aggregate classification (germline): Uncertain significance. Review status: criteria provided, multiple submitters, no conflicts (2 of 4 stars). 2 submissions from 2 submitters: Uncertain significance (2). Last evaluated 2022-06-13.

Conditions:
Gorlin syndrome. Also called: Nevoid Basal Cell Carcinoma Syndrome; Basal cell nevus syndrome. Identifiers: Orphanet 377, MedGen C0004779, MONDO:0007187.
Hereditary cancer-predisposing syndrome. Also called: Neoplastic Syndromes, Hereditary; Hereditary neoplastic syndrome; Tumor predisposition; Hereditary Cancer Syndrome. Identifiers: Orphanet 140162, MedGen C0027672, MeSH D009386, MONDO:0015356.

gnomAD v4.1: 1 of 1,614,212 alleles (0.000062%); no homozygotes.

Submissions (2):

Ambry Genetics
Classification: Uncertain significance for Hereditary cancer-predisposing syndrome. Last evaluated: 2022-06-13. Review status: criteria provided, single submitter. Criteria: Ambry Variant Classification Scheme 2023. Collection method: clinical testing. Allele origin: germline.
Comment: The p.I147T variant (also known as c.440T>C), located in coding exon 3 of the PTCH1 gene, results from a T to C substitution at nucleotide position 440. The isoleucine at codon 147 is replaced by threonine, an amino acid with similar properties. This amino acid position is conserved. In addition, this alteration is predicted to be deleterious by in silico analysis. Since supporting evidence is limited at this time, the clinical significance of this alteration remains unclear.

Labcorp Genetics (formerly Invitae), Labcorp
Classification: Uncertain significance for Gorlin syndrome. Last evaluated: 2021-04-11. Review status: criteria provided, single submitter. Criteria: Invitae Variant Classification Sherloc (09022015). Collection method: clinical testing. Allele origin: germline.
Comment: In summary, the available evidence is currently insufficient to determine the role of this variant in disease. Therefore, it has been classified as a Variant of Uncertain Significance. Algorithms developed to predict the effect of missense changes on protein structure and function (SIFT, PolyPhen-2, Align-GVGD) all suggest that this variant is likely to be tolerated, but these predictions have not been confirmed by published functional studies and their clinical significance is uncertain. This variant has not been reported in the literature in individuals with PTCH1-related disease. This variant is not present in population databases (ExAC no frequency). This sequence change replaces isoleucine with threonine at codon 147 of the PTCH1 protein (p.Ile147Thr). The isoleucine residue is moderately conserved and there is a moderate physicochemical difference between isoleucine and threonine.

NM_000264.5(PTCH1):c.440T>C (p.Ile147Thr)

Gene: PTCH1 (patched 1; minus strand). Cytogenetic location: 9q22.32.
Variant type: single nucleotide variant.
Coding change: c.440T>C on transcript NM_000264.5 (MANE Select); coding-DNA position 440, T replaced by C.
Protein change: p.Ile147Thr; replaces isoleucine 147 with threonine.
Molecular consequence: missense variant. On other transcripts: 5 prime UTR variant (4), non-coding transcript variant (1).
Genome position (GRCh38, 1-based): chr9:95,485,829, A>G on the plus strand (T>C on the coding strand, the complement: PTCH1 is on the minus strand). VCF-style: chr9-95485829-A-G. GRCh37 (hg19) VCF-style: chr9-98248111-A-G.
Other names: c.242T>C, p.Ile81Thr (NM_001083602.3, NM_001354919.2); c.437T>C, p.Ile146Thr (NM_001083603.3); c.-14T>C (NM_001083604.3, NM_001083605.3, NM_001083606.3 and 1 more transcripts); c.440T>C, p.Ile147Thr (NM_001354918.2); short protein forms I147T, I146T, I81T.
Identifiers: ClinVar variation 664706 (VCV000664706.11), dbSNP rs1588622790, ClinGen allele CA374117175.
Genomic context (GRCh38, chr9:95,485,829, plus strand): 5'-GCACCTTCTTCTTTAGGGGTCTGTATCATGAGTTGAGGATTAAACATAGCCTCTTCTCCA[A>G]TCTTCTGGCGAGTATAATTTAATTCACGACTTACTCGTCCTCCAACTGACAAATATGTAC-3'
Protein context (NP_000255.2, residues 137-157): SRELNYTRQK[Ile147Thr]GEEAMFNPQL